The following is an entry in ClinVar:

NM_004415.4(DSP):c.8143del (p.Glu2715fs)

Gene: DSP (desmoplakin; plus strand). Cytogenetic location: 6p24.3.
Variant type: Deletion.
Coding change: c.8143del on transcript NM_004415.4 (MANE Select); coding-DNA position 8143, one base deleted (G; older notation c.8143delG).
Protein change: p.Glu2715fs; shifts the reading frame from glutamic acid 2715.
Molecular consequence: frameshift variant.
Genome position (GRCh38, 1-based): chr6:7,585,405, G deleted. VCF-style (leftmost placement, unchanged base first): chr6-7585404-AG-A. GRCh37 (hg19) VCF-style: chr6-7585637-AG-A.
Other names: c.6346del, p.Glu2116fs (NM_001008844.3); c.6814del, p.Glu2272fs (NM_001319034.2); short protein forms E2116fs, E2272fs, E2715fs.
Identifiers: ClinVar variation 2944384 (VCV002944384.3), dbSNP rs2533949795, ClinGen allele CA2740094267.

ClinVar aggregate classification (germline): Pathogenic (1 of 4 stars; one submission).

Conditions:
Arrhythmogenic cardiomyopathy with wooly hair and keratoderma. Also called: Arrhythmogenic cardiomyopathy with woolly hair and keratoderma; PALMOPLANTAR KERATODERMA WITH LEFT VENTRICULAR CARDIOMYOPATHY AND WOOLLY HAIR; Carvajal syndrome; Dilated cardiomyopathy with woolly hair and keratoderma. Identifiers: Orphanet 65282, MedGen C1854063, MONDO:0011581, OMIM 605676.
Arrhythmogenic right ventricular dysplasia 8 (ARVD8). Also called: Arrhythmogenic Right Ventricular Dysplasia/Cardiomyopathy 8; ARRHYTHMOGENIC RIGHT VENTRICULAR DYSPLASIA, FAMILIAL, 8; ARRHYTHMOGENIC RIGHT VENTRICULAR CARDIOMYOPATHY 8. Identifiers: MedGen C1843896, MONDO:0011831, OMIM 607450.

Submission:

Labcorp Genetics (formerly Invitae), Labcorp
Classification: Pathogenic for Arrhythmogenic cardiomyopathy with wooly hair and keratoderma; Arrhythmogenic right ventricular dysplasia 8. Last evaluated: 2023-07-24. Review status: criteria provided, single submitter. Criteria: Invitae Variant Classification Sherloc (09022015). Collection method: clinical testing. Allele origin: germline.
Comment: This sequence change creates a premature translational stop signal (p.Glu2715Lysfs*31) in the DSP gene. While this is not anticipated to result in nonsense mediated decay, it is expected to disrupt the last 157 amino acid(s) of the DSP protein. This variant is not present in population databases (gnomAD no frequency). This variant has not been reported in the literature in individuals affected with DSP-related conditions. This variant disrupts a region of the DSP protein in which other variant(s) (p.Glu2728Glyfs*11) have been determined to be pathogenic (Invitae). This suggests that this is a clinically significant region of the protein, and that variants that disrupt it are likely to be disease-causing. For these reasons, this variant has been classified as Pathogenic.